The following is an entry in ClinVar:

NM_004341.5(CAD):c.4582C>T (p.Arg1528Trp)

Gene: CAD (carbamoyl-phosphate synthetase 2, aspartate transcarbamylase, and dihydroorotase; plus strand). Cytogenetic location: 2p23.3.
Variant type: single nucleotide variant.
Coding change: c.4582C>T on transcript NM_004341.5 (MANE Select); coding-DNA position 4582, C replaced by T.
Protein change: p.Arg1528Trp; replaces arginine 1528 with tryptophan.
Molecular consequence: missense variant.
Genome position (GRCh38, 1-based): chr2:27,237,736, C>T. VCF-style: chr2-27237736-C-T. GRCh37 (hg19) VCF-style: chr2-27460604-C-T.
Other names: c.4393C>T, p.Arg1465Trp (NM_001306079.2); c.4582C>T (NM_004341.3); short protein forms R1465W, R1528W.
Identifiers: ClinVar variation 1924905 (VCV001924905.3), dbSNP rs1676088450, ClinGen allele CA346220379.
Genomic context (GRCh38, chr2:27,237,736, plus strand): 5'-GCATGGGTGCCAGTGAGCCTTACCTCTGTGTATCCTCTCCAGCTGGCAGAGGCTGGCGCC[C>T]GGTGCGACTTTGCGCTATTCCTTGGGGCCTCGTCTGAAAATGCAGGAACCTTGGGCACCG-3'
Protein context (NP_004332.2, residues 1518-1538): LAQKLAEAGA[Arg1528Trp]CDFALFLGAS

ClinVar aggregate classification (germline): Uncertain significance. Review status: criteria provided, multiple submitters, no conflicts (2 of 4 stars). 2 submissions from 2 submitters: Uncertain significance (2). Last evaluated 2023-11-18.

Conditions:
Inborn genetic diseases. Identifiers: MedGen C0950123, MeSH D030342.

Allele frequency attached by ClinVar (database versions not stated): gnomAD exomes below 0.00001; TOPMed below 0.00001.

Submissions (2):

Ambry Genetics
Classification: Uncertain significance for Inborn genetic diseases. Last evaluated: 2023-11-18. Review status: criteria provided, single submitter. Criteria: Ambry Variant Classification Scheme 2023. Collection method: clinical testing. Allele origin: germline.

Labcorp Genetics (formerly Invitae), Labcorp
Classification: Uncertain significance. Last evaluated: 2022-01-11. Review status: criteria provided, single submitter. Criteria: Invitae Variant Classification Sherloc (09022015). Collection method: clinical testing. Allele origin: germline.
Comment: This sequence change replaces arginine, which is basic and polar, with tryptophan, which is neutral and slightly polar, at codon 1528 of the CAD protein (p.Arg1528Trp). This variant is not present in population databases (gnomAD no frequency). This variant has not been reported in the literature in individuals affected with CAD-related conditions. Algorithms developed to predict the effect of missense changes on protein structure and function are either unavailable or do not agree on the potential impact of this missense change (SIFT: "Tolerated"; PolyPhen-2: "Possibly Damaging"; Align-GVGD: "Class C0"). In summary, the available evidence is currently insufficient to determine the role of this variant in disease. Therefore, it has been classified as a Variant of Uncertain Significance.